The following is an entry in ClinVar:

NM_052947.4(ALPK2):c.745A>G (p.Asn249Asp)

Genes: ALPK2 (alpha kinase 2; minus strand), LOC114803473 (ALPK2 eExon liver enhancer; plus strand). Cytogenetic location: 18q21.31.
Variant type: single nucleotide variant.
Coding change: c.745A>G on transcript NM_052947.4 (MANE Select); coding-DNA position 745, A replaced by G.
Protein change: p.Asn249Asp; replaces asparagine 249 with aspartic acid.
Molecular consequence: missense variant.
Genome position (GRCh38, 1-based): chr18:58,580,031, T>C on the plus strand (A>G on the coding strand, the complement: ALPK2 is on the minus strand). VCF-style: chr18-58580031-T-C. GRCh37 (hg19) VCF-style: chr18-56247263-T-C.
Other names: short protein forms N249D.
Identifiers: ClinVar variation 3290154 (VCV003290154.1).

ClinVar aggregate classification (germline): Uncertain significance (1 of 4 stars; one submission).

Submission:

Ambry Genetics
Classification: Uncertain significance. Last evaluated: 2024-04-22. Review status: criteria provided, single submitter. Criteria: Ambry Variant Classification Scheme 2023. Collection method: clinical testing. Allele origin: germline.
Comment: The p.N249D variant (also known as c.745A>G), located in coding exon 3 of the ALPK2 gene, results from an A to G substitution at nucleotide position 745. The asparagine at codon 249 is replaced by aspartic acid, an amino acid with highly similar properties. This amino acid position is conserved. In addition, this alteration is predicted to be tolerated by in silico analysis. Based on the available evidence, the clinical significance of this variant remains unclear.